The following is an entry in ClinVar:

ClinVar aggregate classification (germline): Uncertain significance (0 of 4 stars; one submission).

Conditions:
VPS13B-related disorder. Also called: VPS13B-related condition.

gnomAD v4.1: 1 of 1,613,902 alleles (0.000062%); highest among the groups gnomAD compares: Non-Finnish European, 0.000085%; no homozygotes.

Submission:

PreventionGenetics, part of Exact Sciences
Classification: Uncertain significance for VPS13B-related condition. Last evaluated: 2024-01-23. Review status: no assertion criteria provided. Collection method: clinical testing. Allele origin: germline.
Comment: The VPS13B c.2199C>G variant is predicted to result in the amino acid substitution p.Cys733Trp. To our knowledge, this variant has not been reported in the literature or in a large population database, indicating this variant is rare. At this time, the clinical significance of this variant is uncertain due to the absence of conclusive functional and genetic evidence.

NM_152564.5(VPS13B):c.2199C>G (p.Cys733Trp)

Gene: VPS13B (vacuolar protein sorting 13 homolog B; plus strand). Cytogenetic location: 8q22.2.
Variant type: single nucleotide variant.
Coding change: c.2199C>G on transcript NM_152564.5 (MANE Select); coding-DNA position 2199, C replaced by G.
Protein change: p.Cys733Trp; replaces cysteine 733 with tryptophan.
Molecular consequence: missense variant.
Genome position (GRCh38, 1-based): chr8:99,156,734, C>G. VCF-style: chr8-99156734-C-G. GRCh37 (hg19) VCF-style: chr8-100168962-C-G.
Other names: c.2199C>G, p.Cys733Trp (NM_015243.3, NM_017890.5); short protein forms C733W.
Identifiers: ClinVar variation 3350006 (VCV003350006.1).